The following is an entry in ClinVar:

NM_001114753.3(ENG):c.1534G>A (p.Ala512Thr)

Genes: ENG (endoglin; minus strand), LOC102723566 (uncharacterized LOC102723566; plus strand). Cytogenetic location: 9q34.11.
Variant type: single nucleotide variant.
Coding change: c.1534G>A on transcript NM_001114753.3 (MANE Select); coding-DNA position 1534, G replaced by A.
Protein change: p.Ala512Thr; replaces alanine 512 with threonine.
Molecular consequence: missense variant.
Genome position (GRCh38, 1-based): chr9:127,818,272, C>T on the plus strand (G>A on the coding strand, the complement: ENG is on the minus strand). VCF-style: chr9-127818272-C-T. GRCh37 (hg19) VCF-style: chr9-130580551-C-T.
Other names: c.1534G>A, p.Ala512Thr (NM_000118.4); c.988G>A, p.Ala330Thr (NM_001278138.2); short protein forms A330T, A512T.
Identifiers: ClinVar variation 1060011 (VCV001060011.10), dbSNP rs2131875889, ClinGen allele CA374975679.

ClinVar aggregate classification (germline): Uncertain significance (1 of 4 stars; one submission).

Conditions:
Hereditary hemorrhagic telangiectasia (HHT). Also called: Osler hemorrhagic telangiectasia syndrome; ORW DISEASE; Osler Weber Rendu syndrome; OSLER-RENDU-WEBER DISEASE. Identifiers: Orphanet 774, MedGen C0039445, MONDO:0019180. Disease mechanism: loss of function.

Submission:

Labcorp Genetics (formerly Invitae), Labcorp
Classification: Uncertain significance for Hereditary hemorrhagic telangiectasia. Last evaluated: 2020-09-30. Review status: criteria provided, single submitter. Criteria: Invitae Variant Classification Sherloc (09022015). Collection method: clinical testing. Allele origin: germline.
Comment: In summary, the available evidence is currently insufficient to determine the role of this variant in disease. Therefore, it has been classified as a Variant of Uncertain Significance. Algorithms developed to predict the effect of missense changes on protein structure and function are either unavailable or do not agree on the potential impact of this missense change (SIFT: "Tolerated"; PolyPhen-2: "Possibly Damaging"; Align-GVGD: "Class C0"). This variant has not been reported in the literature in individuals with ENG-related conditions. This variant is not present in population databases (ExAC no frequency). This sequence change replaces alanine with threonine at codon 512 of the ENG protein (p.Ala512Thr). The alanine residue is moderately conserved and there is a small physicochemical difference between alanine and threonine.